The following is an entry in ClinVar:

NM_001347721.2(DYRK1A):c.821T>G (p.Ile274Ser)

Gene: DYRK1A (dual specificity tyrosine phosphorylation regulated kinase 1A; plus strand). Cytogenetic location: 21q22.13.
Variant type: single nucleotide variant.
Coding change: c.821T>G on transcript NM_001347721.2 (MANE Select); coding-DNA position 821, T replaced by G.
Protein change: p.Ile274Ser; replaces isoleucine 274 with serine.
Molecular consequence: missense variant.
Genome position (GRCh38, 1-based): chr21:37,490,358, T>G. VCF-style: chr21-37490358-T-G. GRCh37 (hg19) VCF-style: chr21-38862660-T-G.
Other names: c.821T>G, p.Ile274Ser (NM_001347722.2, NM_130436.2); c.734T>G, p.Ile245Ser (NM_001347723.2); c.848T>G, p.Ile283Ser (NM_001396.5, NM_101395.2, NM_130438.2); short protein forms I283S, I245S, I274S.
Identifiers: ClinVar variation 1763578 (VCV001763578.2), dbSNP rs2518028387, ClinGen allele CA409947689.
Genomic context (GRCh38, chr21:37,490,358, plus strand): 5'-GAAAGTTTGCGCAACAGATGTGCACTGCACTGCTTTTCCTTGCGACTCCAGAACTTAGTA[T>G]CATTCACTGTGATCTAAAACCTGAAAATATCCTTCTTTGTAACCCCAAACGCAGTGCAAT-3'
Protein context (NP_001334650.1, residues 264-284): LLFLATPELS[Ile274Ser]IHCDLKPENI

ClinVar aggregate classification (germline): Likely pathogenic (1 of 4 stars; one submission).

Conditions:
Inborn genetic diseases. Identifiers: MedGen C0950123, MeSH D030342.

Submission:

Ambry Genetics
Classification: Likely pathogenic for Inborn genetic diseases. Last evaluated: 2017-10-02. Review status: criteria provided, single submitter. Criteria: Ambry Variant Classification Scheme 2023. Collection method: clinical testing. Allele origin: germline.
Comment: The p.I283S variant (also known as c.848T>G), located in coding exon 6 of the DYRK1A gene, results from a T to G substitution at nucleotide position 848. The isoleucine at codon 283 is replaced by serine, an amino acid with dissimilar properties. Our internal structural analysis showed that I283S is located on the serine/threonine-protein kinase active site and is predicted to destabilize the local structure (Falke H et al. J. Med. Chem., 2015 Apr;58:3131-43). This amino acid position is highly conserved in available vertebrate species. In addition, this alteration is predicted to be deleterious by in silico analysis. Based on the majority of available evidence to date, this variant is likely to be pathogenic.

Literature cited by the submitters: PubMed 25730262.